The following is an entry in ClinVar:

ClinVar aggregate classification (germline): Uncertain significance (1 of 4 stars; one submission).

Conditions:
Cognitive impairment - coarse facies - heart defects - obesity - pulmonary involvement - short stature - skeletal dysplasia syndrome. Also called: COGNITIVE IMPAIRMENT, COARSE FACIES, HEART DEFECTS, OBESITY, PULMONARY INVOLVEMENT, SHORT STATURE, AND SKELETAL DYSPLASIA; Chops syndrome; AFF4-Related CHOPS Syndrome. Identifiers: Orphanet 444077, MedGen C4085597, MONDO:0014609, OMIM 616368.

Allele frequency attached by ClinVar (database versions not stated): gnomAD exomes below 0.00001; TOPMed below 0.00001.
gnomAD v4.1: 1 of 1,614,092 alleles (0.000062%); highest among the groups gnomAD compares: African/African-American, 0.0013%; no homozygotes.

Submission:

Labcorp Genetics (formerly Invitae), Labcorp
Classification: Uncertain significance for Cognitive impairment - coarse facies - heart defects - obesity - pulmonary involvement - short stature - skeletal dysplasia syndrome. Last evaluated: 2023-11-24. Review status: criteria provided, single submitter. Criteria: Invitae Variant Classification Sherloc (09022015). Collection method: clinical testing. Allele origin: germline.
Comment: This sequence change replaces histidine, which is basic and polar, with tyrosine, which is neutral and polar, at codon 828 of the AFF4 protein (p.His828Tyr). This variant is present in population databases (no rsID available, gnomAD 0.007%). This variant has not been reported in the literature in individuals affected with AFF4-related conditions. Advanced modeling of protein sequence and biophysical properties (such as structural, functional, and spatial information, amino acid conservation, physicochemical variation, residue mobility, and thermodynamic stability) has been performed at Invitae for this missense variant, however the output from this modeling did not meet the statistical confidence thresholds required to predict the impact of this variant on AFF4 protein function. In summary, the available evidence is currently insufficient to determine the role of this variant in disease. Therefore, it has been classified as a Variant of Uncertain Significance.

NM_014423.4(AFF4):c.2482C>T (p.His828Tyr)

Gene: AFF4 (ALF transcription elongation factor 4; minus strand). Cytogenetic location: 5q31.1.
Variant type: single nucleotide variant.
Coding change: c.2482C>T on transcript NM_014423.4 (MANE Select); coding-DNA position 2482, C replaced by T.
Protein change: p.His828Tyr; replaces histidine 828 with tyrosine.
Molecular consequence: missense variant.
Genome position (GRCh38, 1-based): chr5:132,892,319, G>A on the plus strand (C>T on the coding strand, the complement: AFF4 is on the minus strand). VCF-style: chr5-132892319-G-A. GRCh37 (hg19) VCF-style: chr5-132228011-G-A.
Other names: short protein forms H828Y.
Identifiers: ClinVar variation 2698799 (VCV002698799.3), dbSNP rs1380411598, ClinGen allele CA360929205.
Genomic context (GRCh38, chr5:132,892,319, plus strand): 5'-TGCTGTTACTGCTTGACTTTAAGGAAGAAGACTGACTAATAGTCCTCTTCCGAGAGCCAT[G>A]CTCTGTTTTTGGATCTTTTGAAGGAACAGGCCCAGCGGGAGAAGGCAACAAATCCTTTTC-3'
Protein context (NP_055238.1, residues 818-838): PVPSKDPKTE[His828Tyr]GSRKRTISQS